The following continues an entry in ClinVar:

NM_004333.6(BRAF):c.1799T>A (p.Val600Glu)

Gene: BRAF. ClinVar aggregate classification (germline): Conflicting classifications of pathogenicity. Pathogenic (4); Likely pathogenic (1); Uncertain significance (1). ClinVar aggregate classification (somatic clinical impact): Tier I - Strong. ClinVar aggregate classification (oncogenicity): Oncogenic.

Submissions 26 to 45 of 45:

CIViC Knowledgebase, Washington University School of Medicine
Classification: Tier I - Strong for Melanoma. Assertion type: therapeutic. Clinical significance: sensitivity/response. Last evaluated: 2018-05-15. Review status: criteria provided, single submitter. Criteria: AMP/ASCO/CAP Guidelines, 2017. Collection method: curation. Allele origin: somatic. Affected: yes.
Comment: Combination treatment of BRAF inhibitor dabrafenib and MEK inhibitor trametinib is recommended for adjuvant treatment of stage III or recurrent melanoma with BRAF V600E mutation detected by the approved THxID kit, as well as first line treatment for metastatic melanoma. The treatments are FDA approved based on studies including the Phase III COMBI-V, COMBI-D and COMBI-AD Trials. Combination therapy is now recommended above BRAF inhibitor monotherapy. Cutaneous squamous-cell carcinoma and keratoacanthoma occur at lower rates with combination therapy than with BRAF inhibitor alone.

Clinical Genetics and Genomics, Karolinska University Hospital
Classification: Pathogenic. Last evaluated: 2014-07-11. Review status: criteria provided, single submitter. Criteria: ACMG Guidelines, 2015. Collection method: clinical testing. Allele origin: germline. Affected: yes. Observed: 5 variant alleles.

Eurofins Ntd Llc (ga)
Classification: Pathogenic. Last evaluated: 2013-10-08. Review status: criteria provided, single submitter. Criteria: EGL Classification Definitions 2015. Collection method: clinical testing. Allele origin: germline.

National Institute of Cancer Research, National Health Research Institutes
Classification: Oncogenic for Thyroid gland undifferentiated (anaplastic) carcinoma. Last evaluated: 2024-02-01. Review status: no assertion criteria provided. Collection method: clinical testing. Allele origin: somatic. Affected: yes. Observed: 1 variant allele. Not counted in ClinVar's aggregate classification.
Comment: This mutation has been reported in anaplastic thyroid cancers (PMID: 29615459; PMID: 29742974; PMID: 33029242). The anaplastic thyroid cancer patients with this mutation had a median progression free survival of 6.7 months (PMID: 37059834).

James Bennett Lab, Seattle Childrens Research Institute
Classification: Pathogenic for Lymphangioma. Last evaluated: 2022-02-09. Review status: no assertion criteria provided. Collection method: research. Allele origin: somatic. Inheritance: Somatic mutation. Affected: yes. Observed: 3 variant alleles. Clinical features observed: Abnormal lymphatic vessel morphology (HP:0100766). Not counted in ClinVar's aggregate classification.
Comment: The Val600Glu variant in BRAF was observed at very low levels (VAF 0.3-2%) in lymphatic malformation tissue from three unrelated individuals using high depth NGS (VANseq), confirmatory digital droplet PCR, and BRAF V600E immunohistochemistry.

Xiao lab, Department of Pathology, Memorial Sloan Kettering Cancer Center
Classification: Likely pathogenic for Multiple myeloma. Last evaluated: 2019-08-31. Review status: no assertion criteria provided. Collection method: clinical testing. Allele origin: somatic. Affected: yes. Not counted in ClinVar's aggregate classification.

Pediatric Oncology, Johns Hopkins University
Classification: Pathogenic for Wilms Tumor. Last evaluated: 2019-02-15. Review status: no assertion criteria provided. Collection method: clinical testing. Allele origin: somatic. Affected: yes. Not counted in ClinVar's aggregate classification.

Yale Center for Mendelian Genomics, Yale University
Classification: Pathogenic for Cystic epithelial invagination containing papillae lined by columnar epithelium. Last evaluated: 2015-05-07. Review status: no assertion criteria provided. Collection method: literature only. Allele origin: somatic. Affected: yes. Observed: 4 heterozygotes. Not counted in ClinVar's aggregate classification.

Yale Center for Mendelian Genomics, Yale University
Classification: Pathogenic for cystic epithelial invagination containing papillae lined by columnar epithelium. Last evaluated: 2015-05-07. Review status: no assertion criteria provided. Collection method: literature only. Allele origin: somatic. Affected: yes. Observed: 4 heterozygotes. Study: Yale Center for Mendelian Genomics. Not counted in ClinVar's aggregate classification.

OMIM
Classification: Pathogenic for MELANOMA, MALIGNANT, SOMATIC. Last evaluated: 2014-09-04. Review status: no assertion criteria provided. Collection method: literature only. Allele origin: somatic. Not counted in ClinVar's aggregate classification.

OMIM
Classification: Pathogenic for COLORECTAL CANCER, SOMATIC. Last evaluated: 2014-09-04. Review status: no assertion criteria provided. Collection method: literature only. Allele origin: somatic. Not counted in ClinVar's aggregate classification.

OMIM
Classification: Pathogenic for THYROID CARCINOMA, PAPILLARY, SOMATIC. Last evaluated: 2014-09-04. Review status: no assertion criteria provided. Collection method: literature only. Allele origin: somatic. Not counted in ClinVar's aggregate classification.

OMIM
Classification: Pathogenic for ASTROCYTOMA, LOW-GRADE, SOMATIC. Last evaluated: 2014-09-04. Review status: no assertion criteria provided. Collection method: literature only. Allele origin: somatic. Not counted in ClinVar's aggregate classification.

OMIM
Classification: Pathogenic for NONSEMINOMATOUS GERM CELL TUMORS, SOMATIC. Last evaluated: 2014-09-04. Review status: no assertion criteria provided. Collection method: literature only. Allele origin: somatic. Not counted in ClinVar's aggregate classification.

Laboratory for Molecular Medicine, Mass General Brigham Personalized Medicine
Classification: Pathogenic for Non-small cell lung carcinoma. Last evaluated: 2009-05-29. Review status: no assertion criteria provided. Collection method: clinical testing. Allele origin: somatic. Observed: 49 variant alleles. Not counted in ClinVar's aggregate classification.

Arin Greene Laboratory, Boston Children's Hospital, Harvard Medical School
Classification: Pathogenic for Cerebral arteriovenous malformation. Review status: no assertion criteria provided. Collection method: research. Allele origin: somatic. Affected: yes. Observed: 1 variant allele. Not counted in ClinVar's aggregate classification.

Department of Pathology and Laboratory Medicine, Sinai Health System
Classification: Uncertain significance. Review status: no assertion criteria provided. Collection method: clinical testing. Allele origin: unknown. Affected: yes. Observed: 1 variant allele. Study: The Canadian Open Genetics Repository (COGR). Not counted in ClinVar's aggregate classification.

GeneReviews
No classification provided. Condition: Cardio-facio-cutaneous syndrome. Review status: no classification provided. Collection method: literature only. Allele origin: somatic. Affected: yes. Not counted in ClinVar's aggregate classification.
Comment: p.Val600Glu is a somatic pathogenic variant found in some solid tumors

Investigational Cancer Therapeutics, MD Anderson Cancer Center
Classification: Likely pathogenic for Cancer. Review status: no assertion criteria provided. Collection method: research. Allele origin: unknown. Not counted in ClinVar's aggregate classification.

Sylvester Comprehensive Cancer Center, University of Miami
Classification: Pathogenic. Review status: no assertion criteria provided. Collection method: clinical testing. Allele origin: somatic. Inheritance: Somatic mutation. Affected: yes. Observed: 1 heterozygote. Not counted in ClinVar's aggregate classification.
Comment: BRAF V600E variant is involved in encoding cytoplasmic serine/threonine kinases within the MAPK pathway. The NCCN Guidelines state that BRAF mutations are an indicative prognostic marker with poor clinical outcome. It it recommended to do baseline genomic genotyping of the patient's primary or metastatic tumor tissue at diagnosis if the patient is stage IV. BRAF V600E is mutated in about 15% of all cancers (El-Osta et. al, 2011). Frequency of all RAF mutations is 2.2% within pancreatic cancer, where BRAF V600E is one of the more common variants, and is actionable (Hendifar et al., 2021)

Literature cited by the submitters: PubMed 17496922 (cited by Institute for Genomic Medicine (IGM) Clinical Laboratory, Nationwide Children's Hospital); PubMed 25346165 (cited by Institute for Genomic Medicine (IGM) Clinical Laboratory, Nationwide Children's Hospital); PubMed 26810070 (cited by Institute for Genomic Medicine (IGM) Clinical Laboratory, Nationwide Children's Hospital); PubMed 23442159 (cited by Institute for Genomic Medicine (IGM) Clinical Laboratory, Nationwide Children's Hospital); PubMed 31617914 (cited by Institute for Genomic Medicine (IGM) Clinical Laboratory, Nationwide Children's Hospital); PubMed 32164789 (cited by Institute for Genomic Medicine (IGM) Clinical Laboratory, Nationwide Children's Hospital); PubMed 36067829 (cited by Institute for Genomic Medicine (IGM) Clinical Laboratory, Nationwide Children's Hospital); PubMed 24366910 (cited by Institute for Genomic Medicine (IGM) Clinical Laboratory, Nationwide Children's Hospital); PubMed 30099373 (cited by Institute for Genomic Medicine (IGM) Clinical Laboratory, Nationwide Children's Hospital); PubMed 23583981 (cited by Institute for Genomic Medicine (IGM) Clinical Laboratory, Nationwide Children's Hospital); PubMed 28912153 (cited by Institute for Genomic Medicine (IGM) Clinical Laboratory, Nationwide Children's Hospital); PubMed 28966033 (cited by Institute for Genomic Medicine (IGM) Clinical Laboratory, Nationwide Children's Hospital); PubMed 25752754 (cited by Institute for Genomic Medicine (IGM) Clinical Laboratory, Nationwide Children's Hospital); PubMed 23552385 (cited by Institute for Genomic Medicine (IGM) Clinical Laboratory, Nationwide Children's Hospital); PubMed 29763623 (cited by Institute for Genomic Medicine (IGM) Clinical Laboratory, Nationwide Children's Hospital); PubMed 15035987 (cited by Institute for Genomic Medicine (IGM) Clinical Laboratory, Nationwide Children's Hospital and Center for Genomic Medicine, Rigshospitalet, Copenhagen University Hospital); PubMed 12068308 (cited by 3 submitters); PubMed 19251651 (cited by Institute for Genomic Medicine (IGM) Clinical Laboratory, Nationwide Children's Hospital); PubMed 26343582 (cited by Institute for Genomic Medicine (IGM) Clinical Laboratory, Nationwide Children's Hospital); PubMed 21274720 (cited by Institute for Genomic Medicine (IGM) Clinical Laboratory, Nationwide Children's Hospital); PubMed 21479234 (cited by Institute for Genomic Medicine (IGM) Clinical Laboratory, Nationwide Children's Hospital); PubMed 30051528 (cited by Institute for Genomic Medicine (IGM) Clinical Laboratory, Nationwide Children's Hospital); PubMed 32619305 (cited by Institute for Genomic Medicine (IGM) Clinical Laboratory, Nationwide Children's Hospital); PubMed 32289278 (cited by Institute for Genomic Medicine (IGM) Clinical Laboratory, Nationwide Children's Hospital); PubMed 29533785 (cited by Center for Genomic Medicine, Rigshospitalet, Copenhagen University Hospital); PubMed 26796506 (cited by Institute for Genomic Medicine (IGM) Clinical Laboratory, Nationwide Children's Hospital); PubMed 26014474 (cited by Institute for Genomic Medicine (IGM) Clinical Laboratory, Nationwide Children's Hospital); PubMed 27769870 (cited by Institute for Genomic Medicine (IGM) Clinical Laboratory, Nationwide Children's Hospital).